The following is an entry in ClinVar:

NM_001085487.3(MYSM1):c.1369G>A (p.Gly457Arg)

Gene: MYSM1 (Myb like, SWIRM and MPN domains 1; minus strand). Cytogenetic location: 1p32.1.
Variant type: single nucleotide variant.
Coding change: c.1369G>A on transcript NM_001085487.3 (MANE Select); coding-DNA position 1369, G replaced by A.
Protein change: p.Gly457Arg; replaces glycine 457 with arginine.
Molecular consequence: missense variant.
Genome position (GRCh38, 1-based): chr1:58,676,947, C>T on the plus strand (G>A on the coding strand, the complement: MYSM1 is on the minus strand). VCF-style: chr1-58676947-C-T. GRCh37 (hg19) VCF-style: chr1-59142619-C-T.
Other names: short protein forms G457R.
Identifiers: ClinVar variation 1513239 (VCV001513239.7), dbSNP rs767475214, ClinGen allele CA22869126.

ClinVar aggregate classification (germline): Uncertain significance (1 of 4 stars; one submission).

Allele frequency attached by ClinVar (database versions not stated): gnomAD exomes 0.00001.
gnomAD v4.1: 10 of 1,611,340 alleles (0.00062%); highest among the groups gnomAD compares: Non-Finnish European, 0.00085%; no homozygotes.

Submission:

Labcorp Genetics (formerly Invitae), Labcorp
Classification: Uncertain significance. Last evaluated: 2024-10-07. Review status: criteria provided, single submitter. Criteria: Invitae Variant Classification Sherloc (09022015). Collection method: clinical testing. Allele origin: germline.
Comment: This sequence change replaces glycine, which is neutral and non-polar, with arginine, which is basic and polar, at codon 457 of the MYSM1 protein (p.Gly457Arg). This variant is present in population databases (rs767475214, gnomAD 0.002%). This variant has not been reported in the literature in individuals affected with MYSM1-related conditions. ClinVar contains an entry for this variant (Variation ID: 1513239). Invitae Evidence Modeling of protein sequence and biophysical properties (such as structural, functional, and spatial information, amino acid conservation, physicochemical variation, residue mobility, and thermodynamic stability) indicates that this missense variant is expected to disrupt MYSM1 protein function with a positive predictive value of 80%. In summary, the available evidence is currently insufficient to determine the role of this variant in disease. Therefore, it has been classified as a Variant of Uncertain Significance.